The following is an entry in ClinVar:

NM_004612.4(TGFBR1):c.1256-1G>C

Gene: TGFBR1 (transforming growth factor beta receptor 1; plus strand). Cytogenetic location: 9q22.33.
Variant type: single nucleotide variant.
Coding change: c.1256-1G>C on transcript NM_004612.4 (MANE Select); the canonical splice acceptor site of the intron before coding-DNA position 1256, G replaced by C.
Molecular consequence: splice acceptor variant.
Genome position (GRCh38, 1-based): chr9:99,147,653, G>C. VCF-style: chr9-99147653-G-C. GRCh37 (hg19) VCF-style: chr9-101909935-G-C.
Other names: c.1061-1G>C (NM_001407418.1, NM_001407419.1, NM_001407422.1 and 1 more transcripts); c.1049-1G>C (NM_001407423.1, NM_001407424.1, NM_001407425.1 and 8 more transcripts); c.1268-1G>C (NM_001306210.2); c.1100-1G>C (NM_001407416.1); c.1088-1G>C (NM_001407417.1); c.1025-1G>C (NM_001407435.1, NM_001130916.3); c.1010-1G>C (NM_001407436.1); c.779-1G>C (NM_001407438.1); and 1 more.
Identifiers: ClinVar variation 3391364 (VCV003391364.1).
Genomic context (GRCh38, chr9:99,147,653, plus strand): 5'-TAATGCCTTGGCATTAGCTGAATAAATTCATCAAAATTTAATTTTTTTTAAACTGATACA[G>C]GAATTCATGAAGATTACCAACTGCCTTATTATGATCTTGTACCTTCTGACCCATCAGTTG-3'

ClinVar aggregate classification (germline): Uncertain significance (1 of 4 stars; one submission).

Conditions:
Loeys-Dietz syndrome 1 (LDS1). Also called: TGFBR1-Related Loeys-Dietz Syndrome; AORTIC ANEURYSM, FAMILIAL THORACIC 5; FURLONG SYNDROME. Identifiers: Orphanet 60030, MedGen C4551955, MONDO:0012212, OMIM 609192.

Submission:

Neuberg Centre For Genomic Medicine, NCGM
Classification: Uncertain significance for Loeys-Dietz syndrome 1. Last evaluated: 2023-07-22. Review status: criteria provided, single submitter. Criteria: ACMG Guidelines, 2015. Collection method: clinical testing. Allele origin: germline. Inheritance: Autosomal dominant inheritance. Affected: yes.
Comment: The invariant splice acceptor c.1256-1G>C variant in TGFBR1 gene has not been reported previously as a pathogenic variant nor as a benign variant, to our knowledge. The c.1256-1G>C variant is absent in gnomAD Exomes. This variant has not been submitted to the ClinVar database. SpliceAI predicts this variant to cause splice acceptor loss 0.93 and splice acceptor gain 0.59. The variants in this gene are associated with two phenotypes - Loeys-Dietz syndrome 1 and Multiple self-healing squamous epithelioma. Splice variants and Loss of Function variants in this gene have been previously reported for Multiple self-healing squamous epithelioma but not for Loeys-Dietz syndrome 1 the reported phenotype for this patient. Moreover, very few Loss of Function variants have been reported as disease causing. For these reasons, this variant has been classified as a Variant of Uncertain Significance VUS.